The following is an entry in ClinVar:

NM_000179.3(MSH6):c.3609_3612del (p.His1203fs)

Gene: MSH6 (mutS homolog 6; plus strand). Cytogenetic location: 2p16.3.
Variant type: Microsatellite.
Coding change: c.3609_3612del on transcript NM_000179.3 (MANE Select); coding-DNA positions 3609 to 3612, 4 bases deleted (TGCA; older notation c.3609_3612delTGCA).
Protein change: p.His1203fs; shifts the reading frame from histidine 1203.
Molecular consequence: frameshift variant. On other transcripts: non-coding transcript variant (5).
Genome position (GRCh38, 1-based): chr2:47,805,670-47,805,673, TGCA deleted; deleting any 4 consecutive bases within chr2:47,805,664-47,805,673 gives the same sequence; the c. name uses the placement nearest the transcript's 3' end. VCF-style (leftmost placement, unchanged base first): chr2-47805663-TCATG-T. GRCh37 (hg19) VCF-style: chr2-48032802-TCATG-T.
Other names: c.3609_3612delTGCA (NM_000179.3); c.3312_3315del, p.His1104fs (NM_001406825.1, NM_001406827.1, NM_001406828.1 and 10 more transcripts); c.3441_3444del, p.His1147fs (NM_001406826.1); c.2703_2706del, p.His901fs (NM_001406829.1, NM_001281493.2, NM_001281494.2 and 6 more transcripts); c.390_393del, p.His130fs (NM_001406831.1); c.456_459del, p.His152fs (NM_001406832.1); c.1554_1557del, p.His518fs (NM_001407362.1); c.3605_3608TGCA[1], p.His1203Glnfs (NM_000179.2); and 9 more; short protein forms H1073fs, H1203fs, H901fs, H1028fs, H1104fs, H1145fs, H1147fs, H1177fs.
Identifiers: ClinVar variation 89425 (VCV000089425.19), dbSNP rs587779274, ClinGen allele CA013527.

ClinVar aggregate classification (germline): Pathogenic. Review status: reviewed by expert panel (3 of 4 stars). 7 submissions from 7 submitters: Pathogenic (1). 6 of the submissions do not count toward it. Last evaluated 2013-09-05.

Conditions:
Lynch syndrome. Identifiers: Orphanet 144, MedGen C4552100, MONDO:0005835. Disease mechanism: loss of function.
Mismatch repair cancer syndrome 1 (MMRCS1). Also called: BRAIN TUMOR-POLYPOSIS SYNDROME 1; BTP1 SYNDROME; CHILDHOOD CANCER SYNDROME; MISMATCH REPAIR DEFICIENCY; MMR DEFICIENCY. Identifiers: Orphanet 252202, MedGen C5399763, MONDO:0010159, OMIM 276300. Disease mechanism: loss of function.
Hereditary nonpolyposis colorectal neoplasms. Identifiers: MedGen C0009405, MeSH D003123.
Lynch syndrome 5 (LYNCH5). Also called: Colorectal cancer, hereditary nonpolyposis, type 5; Hereditary non-polyposis colorectal cancer, type 5. Identifiers: Orphanet 144, MedGen C1833477, MONDO:0013710, OMIM 614350. Disease mechanism: loss of function.
MSH6-related disorder. Also called: MSH6-related condition; MSH6-Related disorders.

Submissions (7):

International Society for Gastrointestinal Hereditary Tumours (InSiGHT)
Classification: Pathogenic for Lynch Syndrome. Last evaluated: 2013-09-05. Review status: reviewed by expert panel. Criteria: Guidelines v1.9. Collection method: research. Allele origin: germline.
Comment: Coding sequence variation resulting in a stop codon

Classified with v1.9 guidelines

Center for Genomic Medicine, Rigshospitalet, Copenhagen University Hospital
Classification: Pathogenic. Last evaluated: 2025-03-04. Review status: criteria provided, single submitter. Criteria: ACMG Guidelines, 2015. Collection method: clinical testing. Allele origin: germline. Not counted in ClinVar's aggregate classification.

Department of Clinical Genetics, Copenhagen University Hospital, Rigshospitalet
Classification: Pathogenic for Lynch syndrome. Last evaluated: 2025-02-04. Review status: criteria provided, single submitter. Criteria: ACMG Guidelines, 2015. Collection method: clinical testing. Allele origin: germline. Not counted in ClinVar's aggregate classification.
Comment: PVS1; PM2_SUP; PM3

Myriad Genetics, Inc.
Classification: Pathogenic for Lynch syndrome 5. Last evaluated: 2023-08-24. Review status: criteria provided, single submitter. Criteria: Myriad Autosomal Dominant, Autosomal Recessive and X-Linked Classification Criteria (2023). Collection method: clinical testing. Allele origin: unknown. Not counted in ClinVar's aggregate classification.
Comment: This variant is considered pathogenic. This variant creates a frameshift predicted to result in premature protein truncation.

Labcorp Genetics (formerly Invitae), Labcorp
Classification: Pathogenic for Hereditary nonpolyposis colorectal neoplasms. Last evaluated: 2022-09-01. Review status: criteria provided, single submitter. Criteria: Invitae Variant Classification Sherloc (09022015). Collection method: clinical testing. Allele origin: germline. Not counted in ClinVar's aggregate classification.
Comment: For these reasons, this variant has been classified as Pathogenic. This variant is also known as c.3607_3610delCATG or c.3603_3606delAGTG. This premature translational stop signal has been observed in individual(s) with MSH6-related conditions (PMID: 16283678, 22495361). This variant is not present in population databases (gnomAD no frequency). This sequence change creates a premature translational stop signal (p.His1203Glnfs*12) in the MSH6 gene. It is expected to result in an absent or disrupted protein product. Loss-of-function variants in MSH6 are known to be pathogenic (PMID: 18269114, 24362816).

PreventionGenetics, part of Exact Sciences
Classification: Pathogenic for MSH6-related condition. Last evaluated: 2024-01-18. Review status: no assertion criteria provided. Collection method: clinical testing. Allele origin: germline. Not counted in ClinVar's aggregate classification.
Comment: The MSH6 c.3609_3612delTGCA variant is predicted to result in a frameshift and premature protein termination (p.His1203Glnfs*12). This variant along with a second variant in this gene was reported in at least one individual with hereditary nonpolyposis colorectal cancer (reported as c.3607_3610delCATG, Okkels et al 2012. PubMed ID: 22495361). This variant in the compound heterozygous condition along with a second variant in this gene was reported in two siblings with Neurofibromatosis, type 1 (Ostergaard et al 2005. PubMed ID: 16283678). In the homozygous condition, this variant was reported in several individuals with clinical features overlapping with constitutional mismatch repair deficiency and Tuberous Sclerosis complex (reported as c.3603_3606del, Rootman et al. 2020. PubMed ID: 31730237). This variant has not been reported in a large population database, indicating this variant is rare. In ClinVar, this variant was reported as pathogenic. This variant is interpreted as pathogenic.

OMIM
Classification: Pathogenic for MISMATCH REPAIR CANCER SYNDROME 3. Last evaluated: 2005-12-01. Review status: no assertion criteria provided. Collection method: literature only. Allele origin: germline. Not counted in ClinVar's aggregate classification.

Literature cited by the submitters: PubMed 31730237 (cited by Department of Clinical Genetics, Copenhagen University Hospital, Rigshospitalet); PubMed 16283678 (cited by 3 submitters); PubMed 22495361 (cited by Labcorp Genetics (formerly Invitae), Labcorp); PubMed 18269114 (cited by Labcorp Genetics (formerly Invitae), Labcorp); PubMed 24362816 (cited by Labcorp Genetics (formerly Invitae), Labcorp).